The following is an entry in ClinVar:

ClinVar aggregate classification (germline): Benign/Likely benign. Review status: criteria provided, multiple submitters, no conflicts (2 of 4 stars). 8 submissions from 8 submitters: Benign (1); Likely benign (6). 1 of the submissions does not count toward it. Last evaluated 2026-01-19.

Conditions:
Hereditary cancer-predisposing syndrome. Also called: Tumor predisposition; Hereditary Cancer Syndrome; Hereditary neoplastic syndrome; Neoplastic Syndromes, Hereditary. Identifiers: Orphanet 140162, MedGen C0027672, MeSH D009386, MONDO:0015356.
Peutz-Jeghers syndrome (PJS). Also called: POLYPOSIS, HAMARTOMATOUS INTESTINAL; POLYPS-AND-SPOTS SYNDROME; Peutz-Jeghers polyposis; Periorificial lentiginosis syndrome. Identifiers: Orphanet 2869, MedGen C0031269, MeSH D010580, MONDO:0008280, OMIM 175200.

Allele frequency attached by ClinVar (database versions not stated): TOPMed 0.00001.

Submissions (8):

Labcorp Genetics (formerly Invitae), Labcorp
Classification: Likely benign for Peutz-Jeghers syndrome. Last evaluated: 2026-01-19. Review status: criteria provided, single submitter. Criteria: Invitae Variant Classification Sherloc (09022015). Collection method: clinical testing. Allele origin: germline.

All of Us Research Program, National Institutes of Health
Classification: Likely benign for Peutz-Jeghers syndrome. Last evaluated: 2024-02-05. Review status: criteria provided, single submitter. Criteria: ACMG Guidelines, 2015. Collection method: clinical testing. Allele origin: germline. Inheritance: Autosomal dominant inheritance. Observed: 3 variant alleles, 3 heterozygotes.
Comment: This study involves interpretation of variants in research participants for the purpose of population health screening. Participant phenotype was not available at the time of variant classification. Additional details can be found in publication PMID: 35346344, PMCID: PMC8962531

Myriad Genetics, Inc.
Classification: Benign for Peutz-Jeghers syndrome. Last evaluated: 2023-04-12. Review status: criteria provided, single submitter. Criteria: Myriad Autosomal Dominant, Autosomal Recessive and X-Linked Classification Criteria (2023). Collection method: clinical testing. Allele origin: unknown.
Comment: This variant is considered benign. This variant is a silent/synonymous amino acid change and it is not expected to impact splicing.

Quest Diagnostics Nichols Institute San Juan Capistrano
Classification: Likely benign. Last evaluated: 2022-10-19. Review status: criteria provided, single submitter. Criteria: Quest Diagnostics criteria. Collection method: clinical testing. Allele origin: unknown.

GeneDx
Classification: Likely benign. Last evaluated: 2020-01-30. Review status: criteria provided, single submitter. Criteria: GeneDx Variant Classification Process June 2021. Collection method: clinical testing. Allele origin: germline. Affected: yes.
Comment: This variant is associated with the following publications: (PMID: 20722467)

Color Diagnostics, LLC DBA Color Health
Classification: Likely benign for Hereditary cancer-predisposing syndrome. Last evaluated: 2018-11-05. Review status: criteria provided, single submitter. Criteria: ACMG Guidelines, 2015. Collection method: clinical testing. Allele origin: germline.

Ambry Genetics
Classification: Likely benign for Hereditary cancer-predisposing syndrome. Last evaluated: 2016-06-01. Review status: criteria provided, single submitter. Criteria: Ambry Variant Classification Scheme 2023. Collection method: clinical testing. Allele origin: germline.

Counsyl
Classification: Likely benign for Peutz-Jeghers syndrome. Last evaluated: 2016-06-23. Review status: no assertion criteria provided. Collection method: clinical testing. Allele origin: unknown. Not counted in ClinVar's aggregate classification.

NM_000455.5(STK11):c.1062C>T (p.Phe354=)

Genes: STK11 (serine/threonine kinase 11; plus strand), LOC130062899 (ATAC-STARR-seq lymphoblastoid active region 13597; plus strand). Cytogenetic location: 19p13.3.
Variant type: single nucleotide variant.
Coding change: c.1062C>T on transcript NM_000455.5 (MANE Select); coding-DNA position 1062, C replaced by T.
Protein change: p.Phe354=; no amino-acid change (phenylalanine 354 retained).
Molecular consequence: synonymous variant.
Genome position (GRCh38, 1-based): chr19:1,223,126, C>T. VCF-style: chr19-1223126-C-T. GRCh37 (hg19) VCF-style: chr19-1223125-C-T.
Identifiers: ClinVar variation 184837 (VCV000184837.24), dbSNP rs59912467, ClinGen allele CA022253.
Genomic context (GRCh38, chr19:1,223,126, plus strand): 5'-CATGACTGTGGTGCCGTACTTGGAGGACCTGCACGGCGCGGACGAGGACGAGGACCTCTT[C>T]GACATCGAGGATGACATCATCTACACTCAGGACTTCACGGTGCCCGGTGAGTCTGGCGGG-3'
Protein context (NP_000446.1, residues 344-364): LHGADEDEDL[Phe354=]DIEDDIIYTQ